The following is an entry in ClinVar:

NM_024685.4(BBS10):c.27G>T (p.Gly9=)

Gene: BBS10 (Bardet-Biedl syndrome 10; minus strand). Cytogenetic location: 12q21.2.
Variant type: single nucleotide variant.
Coding change: c.27G>T on transcript NM_024685.4 (MANE Select); coding-DNA position 27, G replaced by T.
Protein change: p.Gly9=; no amino-acid change (glycine 9 retained).
Molecular consequence: synonymous variant.
Genome position (GRCh38, 1-based): chr12:76,348,332, C>A on the plus strand (G>T on the coding strand, the complement: BBS10 is on the minus strand). VCF-style: chr12-76348332-C-A. GRCh37 (hg19) VCF-style: chr12-76742112-C-A.
Other names: c.27G>T (NM_024685.3).
Identifiers: ClinVar variation 1099604 (VCV001099604.12), dbSNP rs370213920, ClinGen allele CA6694440.
Genomic context (GRCh38, chr12:76,348,332, plus strand): 5'-CACGCAGCAGCTCACGATGGCTTCCAGCACCTCGGCCACCTGCAACGCCGCCTTCACAGA[C>A]CCTGCAGCGGCCATAGAACTTAACATATCTGGGCCGCTTCCCCTTTTTGACCAGCTTGCA-3'
Protein context (NP_078961.3, residues 1-19): MLSSMAAA[Gly9=]SVKAALQVAE

ClinVar aggregate classification (germline): Likely benign. Review status: criteria provided, multiple submitters, no conflicts (2 of 4 stars). 4 submissions from 4 submitters: Likely benign (4). Last evaluated 2026-01-31.

Conditions:
BBS10-related disorder. Also called: BBS10-related condition.
Bardet-Biedl syndrome (BBS). Identifiers: Orphanet 110, MedGen C0752166, MONDO:0015229.
Bardet-Biedl syndrome 10 (BBS10). Identifiers: Orphanet 110, MedGen C1859568, MONDO:0014438, OMIM 615987.

Allele frequency attached by ClinVar (database versions not stated): gnomAD exomes 0.00004 and 0.00009; gnomAD 0.00012 and 0.00013; TOPMed 0.00013; ExAC 0.00015; ESP Exome Variant Server 0.00016.
gnomAD v4.1: 87 of 1,604,538 alleles (0.0054%); highest among the groups gnomAD compares: South Asian, 0.056%; 1 homozygote.

Submissions (4):

Labcorp Genetics (formerly Invitae), Labcorp
Classification: Likely benign for Bardet-Biedl syndrome. Last evaluated: 2026-01-31. Review status: criteria provided, single submitter. Criteria: Invitae Variant Classification Sherloc (09022015). Collection method: clinical testing. Allele origin: germline.

PreventionGenetics, part of Exact Sciences
Classification: Likely benign for BBS10-related condition. Last evaluated: 2024-11-12. Review status: criteria provided, single submitter. Criteria: ACMG Guidelines, 2015. Collection method: clinical testing. Allele origin: germline.
Comment: This variant is classified as likely benign based on ACMG/AMP sequence variant interpretation guidelines (Richards et al. 2015 PMID: 25741868, with internal and published modifications).

Blueprint Genetics
Classification: Likely benign. Last evaluated: 2023-02-22. Review status: criteria provided, single submitter. Criteria: ACMG Guidelines, 2015. Collection method: clinical testing. Allele origin: germline.

Fulgent Genetics
Classification: Likely benign for Bardet-Biedl syndrome 10. Last evaluated: 2022-02-22. Review status: criteria provided, single submitter. Criteria: ACMG Guidelines, 2015. Collection method: clinical testing. Allele origin: unknown.